The following is an entry in ClinVar:

ClinVar aggregate classification (germline): Uncertain significance. Review status: criteria provided, multiple submitters, no conflicts (2 of 4 stars). 3 submissions from 3 submitters: Uncertain significance (3). Last evaluated 2025-11-02.

Conditions:
DNAJB6-related disorder. Also called: DNAJB6-related condition.
Autosomal dominant limb-girdle muscular dystrophy type 1D (DNAJB6) (LGMDD1). Also called: Autosomal dominant limb-girdle muscular dystrophy type 1D; Muscular dystrophy, limb-girdle, autosomal dominant 1; MUSCULAR DYSTROPHY, LIMB-GIRDLE, TYPE 1D; MUSCULAR DYSTROPHY, AUTOSOMAL DOMINANT, WITH RIMMED VACUOLES. Identifiers: Orphanet 34516, MedGen C4721885, MONDO:0021018, OMIM 603511.
Inborn genetic diseases. Identifiers: MedGen C0950123, MeSH D030342.

Allele frequency attached by ClinVar (database versions not stated): TOPMed below 0.00001.
gnomAD v4.1: 2 of 1,613,000 alleles (0.00012%); highest among the groups gnomAD compares: Non-Finnish European, 0.00017%; no homozygotes.

Submissions (3):

Labcorp Genetics (formerly Invitae), Labcorp
Classification: Uncertain significance for Autosomal dominant limb-girdle muscular dystrophy type 1D (DNAJB6). Last evaluated: 2025-11-02. Review status: criteria provided, single submitter. Criteria: Invitae Variant Classification Sherloc (09022015). Collection method: clinical testing. Allele origin: germline.
Comment: This sequence change replaces aspartic acid, which is acidic and polar, with asparagine, which is neutral and polar, at codon 18 of the DNAJB6 protein (p.Asp18Asn). This variant is present in population databases (no rsID available, gnomAD 0.01%). This variant has not been reported in the literature in individuals affected with DNAJB6-related conditions. ClinVar contains an entry for this variant (Variation ID: 2634824). Invitae Evidence Modeling of protein sequence and biophysical properties (such as structural, functional, and spatial information, amino acid conservation, physicochemical variation, residue mobility, and thermodynamic stability) indicates that this missense variant is expected to disrupt DNAJB6 protein function with a positive predictive value of 80%. In summary, the available evidence is currently insufficient to determine the role of this variant in disease. Therefore, it has been classified as a Variant of Uncertain Significance.

Ambry Genetics
Classification: Uncertain significance for Inborn genetic diseases. Last evaluated: 2024-11-20. Review status: criteria provided, single submitter. Criteria: Ambry Variant Classification Scheme 2023. Collection method: clinical testing. Allele origin: germline.

PreventionGenetics, part of Exact Sciences
Classification: Uncertain significance for DNAJB6-related condition. Last evaluated: 2023-06-19. Review status: criteria provided, single submitter. Criteria: ACMG Guidelines, 2015. Collection method: clinical testing. Allele origin: germline.
Comment: The DNAJB6 c.52G>A variant is predicted to result in the amino acid substitution p.Asp18Asn. To our knowledge, this variant has not been reported in the literature. This variant is reported in 0.013% of alleles in individuals of European (Non-Finnish) descent in gnomAD. At this time, the clinical significance of this variant is uncertain due to the absence of conclusive functional and genetic evidence.

NM_058246.4(DNAJB6):c.52G>A (p.Asp18Asn)

Gene: DNAJB6 (DnaJ heat shock protein family (Hsp40) member B6; plus strand). Cytogenetic location: 7q36.3.
Variant type: single nucleotide variant.
Coding change: c.52G>A on transcript NM_058246.4 (MANE Select); coding-DNA position 52, G replaced by A.
Protein change: p.Asp18Asn; replaces aspartic acid 18 with asparagine.
Molecular consequence: missense variant.
Genome position (GRCh38, 1-based): chr7:157,358,624, G>A. VCF-style: chr7-157358624-G-A. GRCh37 (hg19) VCF-style: chr7-157151318-G-A.
Other names: c.52G>A, p.Asp18Asn (NM_001363676.1, NM_005494.3); short protein forms D18N.
Identifiers: ClinVar variation 2634824 (VCV002634824.5), dbSNP rs200906900, ClinGen allele CA370165573.